The following is an entry in ClinVar:

NM_000038.6(APC):c.990G>A (p.Met330Ile)

Gene: APC (APC regulator of Wnt signaling pathway; plus strand). Cytogenetic location: 5q22.2.
Variant type: single nucleotide variant.
Coding change: c.990G>A on transcript NM_000038.6 (MANE Select); coding-DNA position 990, G replaced by A.
Protein change: p.Met330Ile; replaces methionine 330 with isoleucine.
Molecular consequence: missense variant. On other transcripts: non-coding transcript variant (2), intron variant (15).
Genome position (GRCh38, 1-based): chr5:112,819,022, G>A. VCF-style: chr5-112819022-G-A. GRCh37 (hg19) VCF-style: chr5-112154719-G-A.
Other names: c.990G>A, p.Met330Ile (NM_001127510.3, NM_001354895.2, NM_001354896.2 and 4 more transcripts); c.936G>A, p.Met312Ile (NM_001127511.3); c.1020G>A, p.Met340Ile (NM_001354897.2, NM_001407446.1); c.915G>A, p.Met305Ile (NM_001354898.2, NM_001407451.1); c.906G>A, p.Met302Ile (NM_001354899.2, NM_001407452.1); c.813G>A, p.Met271Ile (NM_001354900.2, NM_001354901.2, NM_001407453.1); c.141G>A, p.Met47Ile (NM_001354906.2, NM_001407470.1); c.85-247G>A (NM_001407472.1, NM_001407471.1); and 5 more; short protein forms M305I, M330I, M47I, M271I, M302I, M340I, M312I.
Identifiers: ClinVar variation 5025528 (VCV005025528.1).

ClinVar aggregate classification (germline): Uncertain significance (1 of 4 stars; one submission).

Conditions:
Hereditary cancer-predisposing syndrome. Also called: Neoplastic Syndromes, Hereditary; Tumor predisposition; Hereditary neoplastic syndrome; Hereditary Cancer Syndrome. Identifiers: Orphanet 140162, MedGen C0027672, MeSH D009386, MONDO:0015356.

Submission:

Ambry Genetics
Classification: Uncertain significance for Hereditary cancer-predisposing syndrome. Last evaluated: 2026-07-25. Review status: criteria provided, single submitter. Criteria: Ambry Variant Classification Scheme 2023. Collection method: clinical testing. Allele origin: germline.
Comment: The p.M330I variant (also known as c.990G>A), located in coding exon 9 of the APC gene, results from a G to A substitution at nucleotide position 990. The methionine at codon 330 is replaced by isoleucine, an amino acid with highly similar properties. This amino acid position is conserved. In addition, in silico predictors for this gene do not accurately predict pathogenicity. Based on the available evidence, the clinical significance of this variant remains unclear.